The following is an entry in ClinVar:

ClinVar aggregate classification (germline): Pathogenic. Review status: criteria provided, multiple submitters, no conflicts (2 of 4 stars). 4 submissions from 4 submitters: Pathogenic (3). 1 of the submissions does not count toward it. Last evaluated 2022-11-23.

Conditions:
Tuberous sclerosis syndrome (TSC). Also called: Tuberous Sclerosis Complex; Tuberous sclerosis. Identifiers: Orphanet 805, MedGen C0041341, MONDO:0001734.
Tuberous sclerosis 2 (TSC2). Identifiers: Orphanet 805, MedGen C1860707, MONDO:0013199, OMIM 613254.

Submissions (4):

Labcorp Genetics (formerly Invitae), Labcorp
Classification: Pathogenic for Tuberous sclerosis 2. Last evaluated: 2022-11-23. Review status: criteria provided, single submitter. Criteria: Invitae Variant Classification Sherloc (09022015). Collection method: clinical testing. Allele origin: germline.
Comment: For these reasons, this variant has been classified as Pathogenic. ClinVar contains an entry for this variant (Variation ID: 49263). This premature translational stop signal has been observed in individual(s) with tuberous sclerosis complex (PMID: 10533067). In at least one individual the variant was observed to be de novo. This variant is not present in population databases (gnomAD no frequency). This sequence change creates a premature translational stop signal (p.Gln1178*) in the TSC2 gene. It is expected to result in an absent or disrupted protein product. Loss-of-function variants in TSC2 are known to be pathogenic (PMID: 10205261, 17304050).

Genome-Nilou Lab
Classification: Pathogenic for Tuberous sclerosis 2. Last evaluated: 2021-11-07. Review status: criteria provided, single submitter. Criteria: ACMG Guidelines, 2015. Collection method: clinical testing. Allele origin: germline. Affected: no.

GeneDx
Classification: Pathogenic. Last evaluated: 2017-02-03. Review status: criteria provided, single submitter. Criteria: GeneDx Variant Classification (06012015). Collection method: clinical testing. Allele origin: germline. Affected: yes.
Comment: The Q1178X nonsense variant in the TSC2 gene has been reported previously in association with tuberous sclerosis (Niida et al., 1999; TSC2 LOVD). The Q1178X variant is not observed in large population cohorts (Lek et al., 2016; 1000 Genomes Consortium et al., 2015; Exome Variant Server). This pathogenic variant is predicted to cause loss of normal protein function either through protein truncation or nonsense-mediated mRNA decay.

Tuberous sclerosis database (TSC2)
No classification provided. Condition: TSC. Review status: no classification provided. Criteria: Tuberous Sclerosis Database Assertion Criteria 2015. Collection method: curation. Allele origin: germline. Affected: yes. Not counted in ClinVar's aggregate classification.

Literature cited by the submitters: PubMed 10533067 (cited by Labcorp Genetics (formerly Invitae), Labcorp); PubMed 10205261 (cited by Labcorp Genetics (formerly Invitae), Labcorp); PubMed 17304050 (cited by Labcorp Genetics (formerly Invitae), Labcorp).

NM_000548.5(TSC2):c.3532C>T (p.Gln1178Ter)

Gene: TSC2 (TSC complex subunit 2; plus strand). Cytogenetic location: 16p13.3.
Variant type: single nucleotide variant.
Coding change: c.3532C>T on transcript NM_000548.5 (MANE Select); coding-DNA position 3532, C replaced by T.
Protein change: p.Gln1178Ter; replaces glutamine 1178 with a stop codon.
Molecular consequence: nonsense.
Genome position (GRCh38, 1-based): chr16:2,080,299, C>T. VCF-style: chr16-2080299-C-T. GRCh37 (hg19) VCF-style: chr16-2130300-C-T.
Other names: c.3400C>T, p.Gln1134Ter (NM_001077183.3, NM_001370404.1); c.3532C>T, p.Gln1178Ter (NM_001114382.3); c.3292C>T, p.Gln1098Ter (NM_001318827.2); c.3256C>T, p.Gln1086Ter (NM_001318829.2); c.2800C>T, p.Gln934Ter (NM_001318831.2); c.3433C>T, p.Gln1145Ter (NM_001318832.2); c.3403C>T, p.Gln1135Ter (NM_001363528.2, NM_001370405.1, NM_021055.3); short protein forms Q1178*, Q1098*, Q1145*, Q1134*, Q1135*, Q934*, Q1086*.
Identifiers: ClinVar variation 49263 (VCV000049263.10), dbSNP rs45517297, ClinGen allele CA019253.